The following is an entry in ClinVar:

NM_000350.3(ABCA4):c.302+68C>T

Gene: ABCA4 (ATP binding cassette subfamily A member 4; minus strand). Cytogenetic location: 1p22.1.
Variant type: single nucleotide variant.
Coding change: c.302+68C>T on transcript NM_000350.3 (MANE Select); 68 bases into the intron after coding-DNA position 302, C replaced by T.
Molecular consequence: intron variant.
Genome position (GRCh38, 1-based): chr1:94,111,370, G>A on the plus strand (C>T on the coding strand, the complement: ABCA4 is on the minus strand). VCF-style: chr1-94111370-G-A. GRCh37 (hg19) VCF-style: chr1-94576926-G-A.
Identifiers: ClinVar variation 242408 (VCV000242408.6), dbSNP rs761188244, ClinGen allele CA10576056.

ClinVar aggregate classification (germline): Conflicting classifications of pathogenicity. Review status: criteria provided, conflicting classifications (1 of 4 stars). 4 submissions from 4 submitters: Uncertain significance (2); Likely benign (2). Last evaluated 2025-12-16.

Conditions:
ABCA4-related disorder. Also called: ABCA4-related disorders; ABCA4-related condition. Identifiers: MedGen CN239167.
Severe early-childhood-onset retinal dystrophy (STGD1). Also called: Stargardt macular dystrophy; Juvenile onset macular degeneration; Stargardt disease 1; MACULAR DYSTROPHY WITH FLECKS, TYPE 1; STGD. Identifiers: Orphanet 364055, Orphanet 827, MedGen C1855465, MeSH D000080362, MONDO:0009549, OMIM 248200.

Allele frequency attached by ClinVar (database versions not stated): TOPMed 0.00005; gnomAD 0.00006.
gnomAD v4.1: 130 of 1,581,756 alleles (0.0082%); highest among the groups gnomAD compares: Non-Finnish European, 0.0091%; no homozygotes.

Submissions (4):

GeneDx
Classification: Likely benign. Last evaluated: 2025-12-16. Review status: criteria provided, single submitter. Criteria: GeneDx Variant Classification Process June 2021. Collection method: clinical testing. Allele origin: germline.
Comment: See Variant Classification Assertion Criteria.

PreventionGenetics, part of Exact Sciences
Classification: Likely benign for ABCA4-related condition. Last evaluated: 2024-11-25. Review status: criteria provided, single submitter. Criteria: ACMG Guidelines, 2015. Collection method: clinical testing. Allele origin: germline.
Comment: This variant is classified as likely benign based on ACMG/AMP sequence variant interpretation guidelines (Richards et al. 2015 PMID: 25741868, with internal and published modifications).

Blueprint Genetics
Classification: Uncertain significance. Last evaluated: 2024-08-05. Review status: criteria provided, single submitter. Criteria: ACMG Guidelines, 2015. Collection method: clinical testing. Allele origin: germline.

Ocular Genomics Institute, Massachusetts Eye and Ear
Classification: Uncertain significance for Severe early-childhood-onset retinal dystrophy. Last evaluated: 2021-04-08. Review status: criteria provided, single submitter. Criteria: ACMG Guidelines, 2015. Collection method: research. Allele origin: germline. Affected: yes.
Comment: Through a review of available evidence we were able to apply the following criteria: PM2, PP1, BP4. Based on this evidence we have classified this variant as Variant of Uncertain Significance.

Literature cited by the submitters: PubMed 26527198 (cited by Ocular Genomics Institute, Massachusetts Eye and Ear).